The following is an entry in ClinVar:

NM_144573.4(NEXN):c.134G>T (p.Arg45Ile)

Gene: NEXN (nexilin F-actin binding protein; plus strand). Cytogenetic location: 1p31.1.
Variant type: single nucleotide variant.
Coding change: c.134G>T on transcript NM_144573.4 (MANE Select); coding-DNA position 134, G replaced by T.
Protein change: p.Arg45Ile; replaces arginine 45 with isoleucine.
Molecular consequence: missense variant. On other transcripts: intron variant (1).
Genome position (GRCh38, 1-based): chr1:77,917,672, G>T. VCF-style: chr1-77917672-G-T. GRCh37 (hg19) VCF-style: chr1-78383357-G-T.
Other names: c.28-288G>T (NM_001172309.2); short protein forms R45I.
Identifiers: ClinVar variation 643060 (VCV000643060.8), dbSNP rs946271161, ClinGen allele CA340885637.

ClinVar aggregate classification (germline): Uncertain significance (1 of 4 stars; one submission).

Conditions:
Hypertrophic cardiomyopathy 20. Identifiers: MedGen C3151267, MONDO:0013477, OMIM 613876.
Dilated cardiomyopathy 1CC (CMD1CC). Identifiers: Orphanet 154, MedGen C2751084, MONDO:0013147, OMIM 613122.

Allele frequency attached by ClinVar (database versions not stated): gnomAD exomes 0.00001.
gnomAD v4.1: 5 of 1,612,638 alleles (0.00031%); highest among the groups gnomAD compares: Non-Finnish European, 0.00042%; no homozygotes.

Submission:

Labcorp Genetics (formerly Invitae), Labcorp
Classification: Uncertain significance for Dilated cardiomyopathy 1CC; Hypertrophic cardiomyopathy 20. Last evaluated: 2018-11-22. Review status: criteria provided, single submitter. Criteria: Invitae Variant Classification Sherloc (09022015). Collection method: clinical testing. Allele origin: germline.
Comment: This sequence change replaces arginine with isoleucine at codon 45 of the NEXN protein (p.Arg45Ile). The arginine residue is moderately conserved and there is a moderate physicochemical difference between arginine and isoleucine. This variant is not present in population databases (ExAC no frequency). This variant has not been reported in the literature in individuals with NEXN-related conditions. Algorithms developed to predict the effect of missense changes on protein structure and function are either unavailable or do not agree on the potential impact of this missense change (SIFT: "Deleterious"; PolyPhen-2: "Probably Damaging"; Align-GVGD: "Class C0"). In summary, the available evidence is currently insufficient to determine the role of this variant in disease. Therefore, it has been classified as a Variant of Uncertain Significance.